The following is an entry in ClinVar:

ClinVar aggregate classification (germline): Uncertain significance (1 of 4 stars; one submission).

Conditions:
Familial temporal lobe epilepsy 7. Identifiers: Orphanet 101046, MedGen C4225327, MONDO:0014639, OMIM 616436.
Norman-Roberts syndrome (LIS2). Also called: Lissencephaly 2 (Norman-Roberts type). Identifiers: Orphanet 89844, MedGen C0796089, MONDO:0009760, OMIM 257320.

Allele frequency attached by ClinVar (database versions not stated): gnomAD exomes 0.00001 and below 0.00001; TOPMed 0.00002; ExAC 0.00001; gnomAD 0.00001.
gnomAD v4.1: 24 of 1,613,452 alleles (0.0015%); highest among the groups gnomAD compares: Non-Finnish European, 0.0019%; no homozygotes.

Submission:

Labcorp Genetics (formerly Invitae), Labcorp
Classification: Uncertain significance for Familial temporal lobe epilepsy 7; Norman-Roberts syndrome. Last evaluated: 2021-12-24. Review status: criteria provided, single submitter. Criteria: Invitae Variant Classification Sherloc (09022015). Collection method: clinical testing. Allele origin: germline.
Comment: This sequence change replaces proline, which is neutral and non-polar, with serine, which is neutral and polar, at codon 1236 of the RELN protein (p.Pro1236Ser). This variant is present in population databases (rs750302438, gnomAD 0.0009%). This variant has not been reported in the literature in individuals affected with RELN-related conditions. ClinVar contains an entry for this variant (Variation ID: 542567). Algorithms developed to predict the effect of missense changes on protein structure and function are either unavailable or do not agree on the potential impact of this missense change (SIFT: "Deleterious"; PolyPhen-2: "Probably Damaging"; Align-GVGD: "Class C0"). In summary, the available evidence is currently insufficient to determine the role of this variant in disease. Therefore, it has been classified as a Variant of Uncertain Significance.

NM_005045.4(RELN):c.3706C>T (p.Pro1236Ser)

Gene: RELN (reelin; minus strand). Cytogenetic location: 7q22.1.
Variant type: single nucleotide variant.
Coding change: c.3706C>T on transcript NM_005045.4 (MANE Select); coding-DNA position 3706, C replaced by T.
Protein change: p.Pro1236Ser; replaces proline 1236 with serine.
Molecular consequence: missense variant.
Genome position (GRCh38, 1-based): chr7:103,594,326, G>A on the plus strand (C>T on the coding strand, the complement: RELN is on the minus strand). VCF-style: chr7-103594326-G-A. GRCh37 (hg19) VCF-style: chr7-103234773-G-A.
Other names: c.3706C>T, p.Pro1236Ser (NM_173054.3); short protein forms P1236S.
Identifiers: ClinVar variation 542567 (VCV000542567.7), dbSNP rs750302438, ClinGen allele CA4421686.